The following is an entry in ClinVar:

NM_022437.3(ABCG8):c.112T>G (p.Phe38Val)

Gene: ABCG8 (ATP binding cassette subfamily G member 8; plus strand). Cytogenetic location: 2p21.
Variant type: single nucleotide variant.
Coding change: c.112T>G on transcript NM_022437.3 (MANE Select); coding-DNA position 112, T replaced by G.
Protein change: p.Phe38Val; replaces phenylalanine 38 with valine.
Molecular consequence: missense variant.
Genome position (GRCh38, 1-based): chr2:43,844,555, T>G. VCF-style: chr2-43844555-T-G. GRCh37 (hg19) VCF-style: chr2-44071694-T-G.
Other names: c.112T>G, p.Phe38Val (NM_001357321.2); short protein forms F38V.
Identifiers: ClinVar variation 4613348 (VCV004613348.1).

ClinVar aggregate classification (germline): Uncertain significance (1 of 4 stars; one submission).

Conditions:
Cardiovascular phenotype. Identifiers: MedGen CN230736.

Submission:

Ambry Genetics
Classification: Uncertain significance for Cardiovascular phenotype. Last evaluated: 2025-11-16. Review status: criteria provided, single submitter. Criteria: Ambry Variant Classification Scheme 2023. Collection method: clinical testing. Allele origin: germline.
Comment: The p.F38V variant (also known as c.112T>G), located in coding exon 2 of the ABCG8 gene, results from a T to G substitution at nucleotide position 112. The phenylalanine at codon 38 is replaced by valine, an amino acid with highly similar properties. This amino acid position is conserved. In addition, this alteration is predicted to be deleterious by in silico analysis. Based on the available evidence, the clinical significance of this variant remains unclear.